The following is an entry in ClinVar:

ClinVar aggregate classification (germline): Uncertain significance (1 of 4 stars; one submission).

Conditions:
Hereditary cancer-predisposing syndrome. Also called: Tumor predisposition; Hereditary Cancer Syndrome; Neoplastic Syndromes, Hereditary; Hereditary neoplastic syndrome. Identifiers: Orphanet 140162, MedGen C0027672, MeSH D009386, MONDO:0015356.

Submission:

Color Diagnostics, LLC DBA Color Health
Classification: Uncertain significance for Hereditary cancer-predisposing syndrome. Last evaluated: 2025-07-03. Review status: criteria provided, single submitter. Criteria: ACMG Guidelines, 2015. Collection method: clinical testing. Allele origin: germline.
Comment: This missense variant replaces glycine with arginine at codon 1433 of the BRCA2 protein. Computational prediction is inconclusive regarding the impact of this variant on protein structure and function. To our knowledge, functional studies have not been reported for this variant. This variant has not been reported as a germline variant in individuals affected with BRCA2-related disorders in the literature. This variant has not been identified in the general population by the Genome Aggregation Database (gnomAD). The available evidence is insufficient to determine the role of this variant in disease conclusively. Therefore, this variant is classified as a Variant of Uncertain Significance.

NM_000059.4(BRCA2):c.4297G>A (p.Gly1433Arg)

Gene: BRCA2 (BRCA2 DNA repair associated; plus strand). Cytogenetic location: 13q13.1.
Variant type: single nucleotide variant.
Coding change: c.4297G>A on transcript NM_000059.4 (MANE Select); coding-DNA position 4297, G replaced by A.
Protein change: p.Gly1433Arg; replaces glycine 1433 with arginine.
Molecular consequence: missense variant. On other transcripts: non-coding transcript variant (1), intron variant (2).
Genome position (GRCh38, 1-based): chr13:32,338,652, G>A. VCF-style: chr13-32338652-G-A. GRCh37 (hg19) VCF-style: chr13-32912789-G-A.
Other names: c.4297G>A, p.Gly1433Arg (NM_001406719.1, NM_001406720.1, NM_001432077.1); c.1909+5265G>A (NM_001406721.1); c.425-5906G>A (NM_001406722.1); short protein forms G1433R.
Identifiers: ClinVar variation 4757457 (VCV004757457.1).